The following is an entry in ClinVar:

ClinVar aggregate classification (germline): Uncertain significance (1 of 4 stars; one submission).

Conditions:
Charcot-Marie-Tooth disease axonal type 2L. Also called: Charcot-Marie-Tooth Neuropathy Type 2L; CHARCOT-MARIE-TOOTH DISEASE, AXONAL, AUTOSOMAL DOMINANT, TYPE 2L; CHARCOT-MARIE-TOOTH NEUROPATHY, AXONAL, TYPE 2L. Identifiers: Orphanet 99945, MedGen C1837552, MONDO:0012096, OMIM 608673.

Submission:

Labcorp Genetics (formerly Invitae), Labcorp
Classification: Uncertain significance for Charcot-Marie-Tooth disease axonal type 2L. Last evaluated: 2026-01-19. Review status: criteria provided, single submitter. Criteria: Invitae Variant Classification Sherloc (09022015). Collection method: clinical testing. Allele origin: germline.
Comment: This sequence change replaces glycine, which is neutral and non-polar, with arginine, which is basic and polar, at codon 117 of the HSPB8 protein (p.Gly117Arg). This variant is not present in population databases (gnomAD no frequency). This variant has not been reported in the literature in individuals affected with HSPB8-related conditions. An algorithm developed to predict the effect of missense changes on protein structure and function outputs the following: PolyPhen-2: "Benign". The arginine amino acid residue is found in multiple mammalian species, which suggests that this missense change does not adversely affect protein function. In summary, the available evidence is currently insufficient to determine the role of this variant in disease. Therefore, it has been classified as a Variant of Uncertain Significance.

NM_014365.3(HSPB8):c.349G>A (p.Gly117Arg)

Gene: HSPB8 (heat shock protein family B (small) member 8; plus strand). Cytogenetic location: 12q24.23.
Variant type: single nucleotide variant.
Coding change: c.349G>A on transcript NM_014365.3 (MANE Select); coding-DNA position 349, G replaced by A.
Protein change: p.Gly117Arg; replaces glycine 117 with arginine.
Molecular consequence: missense variant.
Genome position (GRCh38, 1-based): chr12:119,179,661, G>A. VCF-style: chr12-119179661-G-A. GRCh37 (hg19) VCF-style: chr12-119617466-G-A.
Other names: short protein forms G117R.
Identifiers: ClinVar variation 4722388 (VCV004722388.1).